The following is an entry in ClinVar:

ClinVar aggregate classification (germline): Uncertain significance (1 of 4 stars; one submission).

Conditions:
TAB2-related disorder.

Submission:

3billion
Classification: Uncertain significance for TAB2-related disorder. Last evaluated: 2024-06-11. Review status: criteria provided, single submitter. Criteria: ACMG Guidelines, 2015. Collection method: clinical testing. Allele origin: germline. Affected: yes.
Comment: The variant is not observed in the gnomAD v4.0.0 dataset. Predicted Consequence/Location: Canonical splice site: predicted to alter splicing and result in a loss or disruption of normal protein function. Multiple pathogenic loss-of-function variants are reported downstream of the variant. Therefore, this variant is classified as VUS according to the recommendation of ACMG/AMP guideline.

NM_001292034.3(TAB2):c.102+1G>A

Gene: TAB2 (TGF-beta activated kinase 1 (MAP3K7) binding protein 2; plus strand). Cytogenetic location: 6q25.1.
Variant type: single nucleotide variant.
Coding change: c.102+1G>A on transcript NM_001292034.3 (MANE Select); the canonical splice donor site of the intron after coding-DNA position 102, G replaced by A.
Molecular consequence: splice donor variant. On other transcripts: intron variant (1).
Genome position (GRCh38, 1-based): chr6:149,370,100, G>A. VCF-style: chr6-149370100-G-A. GRCh37 (hg19) VCF-style: chr6-149691236-G-A.
Other names: c.7-7918G>A (NM_001292035.3); c.102+1G>A (NM_001369506.1, NM_015093.6).
Identifiers: ClinVar variation 4292774 (VCV004292774.1).